The following is an entry in ClinVar:

NM_031448.6(C19orf12):c.-11+178C>T

Genes: C19orf12 (chromosome 19 open reading frame 12; minus strand), LOC130064129 (ATAC-STARR-seq lymphoblastoid silent region 10465; plus strand). Cytogenetic location: 19q12.
Variant type: single nucleotide variant.
Coding change: c.-11+178C>T on transcript NM_031448.6 (MANE Select); 178 bases into the intron after 11 bases upstream of the start codon, C replaced by T.
Molecular consequence: intron variant. On other transcripts: 5 prime UTR variant (2).
Genome position (GRCh38, 1-based): chr19:29,714,947, G>A on the plus strand (C>T on the coding strand, the complement: C19orf12 is on the minus strand). VCF-style: chr19-29714947-G-A. GRCh37 (hg19) VCF-style: chr19-30205854-G-A.
Other names: c.-51C>T (NM_001031726.4); c.-73C>T (NM_001282929.1); c.-11+616C>T (NM_001256047.2); c.-324+178C>T (NM_001282931.3); c.-33+178C>T (NM_001282930.3); c.-11+178C>T (NM_001256046.3).
Identifiers: ClinVar variation 387761 (VCV000387761.5), dbSNP rs948285503, ClinGen allele CA16608194.

ClinVar aggregate classification (germline): Conflicting classifications of pathogenicity. Review status: criteria provided, conflicting classifications (1 of 4 stars). 2 submissions from 2 submitters: Uncertain significance (1); Likely benign (1). Last evaluated 2018-01-15.

Conditions:
Neurodegeneration with brain iron accumulation 4 (NBIA4). Also called: MITOCHONDRIAL PROTEIN-ASSOCIATED NEURODEGENERATION. Identifiers: Orphanet 289560, MedGen C3280371, MONDO:0013674, OMIM 614298. Disease mechanism: loss of function.

Allele frequency attached by ClinVar (database versions not stated): gnomAD 0.00003; TOPMed 0.00004; gnomAD exomes 0.00005 and 0.00010.
gnomAD v4.1: 57 of 714,808 alleles (0.008%); highest among the groups gnomAD compares: Non-Finnish European, 0.014%; no homozygotes.

Submissions (2):

Illumina Laboratory Services, Illumina
Classification: Uncertain significance for Neurodegeneration with brain iron accumulation 4. Last evaluated: 2018-01-15. Review status: criteria provided, single submitter. Criteria: ICSL Variant Classification Criteria 13 December 2019. Collection method: clinical testing. Allele origin: germline.

GeneDx
Classification: Likely benign. Last evaluated: 2016-07-29. Review status: criteria provided, single submitter. Criteria: GeneDx Variant Classification (06012015). Collection method: clinical testing. Allele origin: germline. Affected: yes.
Comment: This variant is considered likely benign or benign based on one or more of the following criteria: it is a conservative change, it occurs at a poorly conserved position in the protein, it is predicted to be benign by multiple in silico algorithms, and/or has population frequency not consistent with disease.